The following is an entry in ClinVar:

NM_014319.5(LEMD3):c.67C>T (p.Arg23Cys)

Gene: LEMD3 (LEM domain containing 3; plus strand). Cytogenetic location: 12q14.3.
Variant type: single nucleotide variant.
Coding change: c.67C>T on transcript NM_014319.5 (MANE Select); coding-DNA position 67, C replaced by T.
Protein change: p.Arg23Cys; replaces arginine 23 with cysteine.
Molecular consequence: missense variant.
Genome position (GRCh38, 1-based): chr12:65,169,663, C>T. VCF-style: chr12-65169663-C-T. GRCh37 (hg19) VCF-style: chr12-65563443-C-T.
Other names: c.67C>T, p.Arg23Cys (NM_001167614.2); short protein forms R23C.
Identifiers: ClinVar variation 1981732 (VCV001981732.4), dbSNP rs774626762, ClinGen allele CA6670667.
Genomic context (GRCh38, chr12:65,169,663, plus strand): 5'-GCGGCAGCAGCTTCGGCGCCTCAGCAGCTCTCGGATGAGGAGCTTTTCTCTCAGCTCCGC[C>T]GTTACGGCCTGTCTCCCGGACCAGTGACGGAGAGCACCCGCCCGGTCTACCTCAAGAAGC-3'
Protein context (NP_055134.2, residues 13-33): SDEELFSQLR[Arg23Cys]YGLSPGPVTE

ClinVar aggregate classification (germline): Uncertain significance (1 of 4 stars; one submission).

Allele frequency attached by ClinVar (database versions not stated): gnomAD 0.00001; gnomAD exomes 0.00003; ExAC 0.00009.
gnomAD v4.1: 43 of 1,585,960 alleles (0.0027%); highest among the groups gnomAD compares: South Asian, 0.046%; no homozygotes.

Submission:

Labcorp Genetics (formerly Invitae), Labcorp
Classification: Uncertain significance. Last evaluated: 2022-06-29. Review status: criteria provided, single submitter. Criteria: Invitae Variant Classification Sherloc (09022015). Collection method: clinical testing. Allele origin: germline.
Comment: This variant has not been reported in the literature in individuals affected with LEMD3-related conditions. In summary, the available evidence is currently insufficient to determine the role of this variant in disease. Therefore, it has been classified as a Variant of Uncertain Significance. Algorithms developed to predict the effect of missense changes on protein structure and function are either unavailable or do not agree on the potential impact of this missense change (SIFT: "Deleterious"; PolyPhen-2: "Probably Damaging"; Align-GVGD: "Class C0"). This variant is present in population databases (rs774626762, gnomAD 0.04%), and has an allele count higher than expected for a pathogenic variant. This sequence change replaces arginine, which is basic and polar, with cysteine, which is neutral and slightly polar, at codon 23 of the LEMD3 protein (p.Arg23Cys).